The following is an entry in ClinVar:

ClinVar aggregate classification (germline): Pathogenic. Review status: criteria provided, multiple submitters, no conflicts (2 of 4 stars). 13 submissions from 12 submitters: Pathogenic (10). 3 of the submissions do not count toward it. Last evaluated 2025-11-07.

Conditions:
SMPD1-related disorder. Also called: SMPD1-related condition.
Inborn genetic diseases. Identifiers: MedGen C0950123, MeSH D030342.
Niemann-Pick disease, type A. Also called: SPHINGOMYELIN LIPIDOSIS; SPHINGOMYELINASE DEFICIENCY; Infantile Neurovisceral ASMD (Niemann-Pick Disease Type A; NPD-A). Identifiers: Orphanet 77292, MedGen C0268242, MONDO:0009756, OMIM 257200. Disease mechanism: loss of function.
Niemann-Pick disease, type B. Also called: Chronic Visceral ASMD (Niemann-Pick Disease Type B; NPD-B). Identifiers: Orphanet 77293, MedGen C0268243, MONDO:0011871, OMIM 607616. Disease mechanism: loss of function.
Sphingomyelin/cholesterol lipidosis. Also called: Niemann-Pick disease. Identifiers: MedGen C0028064, MONDO:0001982.
Niemann-pick disease, intermediate, protracted neurovisceral. Identifiers: MedGen C2675646.

Allele frequency attached by ClinVar (database versions not stated): gnomAD 0.00001; gnomAD exomes 0.00001 and 0.00002; ExAC 0.00002; TOPMed 0.00002.
gnomAD v4.1: 29 of 1,614,062 alleles (0.0018%); highest among the groups gnomAD compares: Non-Finnish European, 0.0025%; no homozygotes.

Submissions (13):

Otogenetics
Classification: Pathogenic for Niemann-Pick disease, type A; Niemann-Pick disease, type B. Last evaluated: 2025-11-07. Review status: criteria provided, single submitter. Criteria: ACMG Guidelines, 2015. Collection method: clinical testing. Allele origin: germline.
Comment: PS3: Well-established in vitro and in vivo functional studies supportive of damaging effect on the gene product, with low residual enzymatic activity relative to wild-type reported (PMID: 15877209); PM2: Maximum gnomAD MAF of 0.0025% in European-Non Finnish (NFE) subpopulation (<0.236% threshold); PM3_VeryStrong: Variant reported in homozygous state in 2 affected individuals and in trans with over ten pathogenic variants in numerous individuals affected with Niemann-Pick disease (PMID: 14681755, 15241805, 15877209, 17011332, 36046391); PM5: Likely pathogenic missense amino acid change occurs in same position: c.881A>G; p.Gln294Arg (ClinVar SCV001468712.1); PP3: In-silico models predict deleterious effect (Revel = 0.91, BayesDel = 0.42)

Natera, Inc.
Classification: Pathogenic for Niemann-Pick Disease, Types A/B. Last evaluated: 2025-05-27. Review status: criteria provided, single submitter. Criteria: Natera Variant Classification Schema (03/2026). Collection method: clinical testing. Allele origin: germline.
Comment: The c.880C>A variant in SMPD1 is a missense variant predicted to cause substitution of glutamine to lysine at amino acid 294. This variant is rare in the general population with a frequency below the threshold expected for the associated phenotype(s). This variant has been observed in one or more individuals affected with the associated recessive disease, as either homozygous or compound heterozygous with a second variant (PMID: 37347058, 9266408). Computational prediction algorithms indicate this variant is likely to affect gene or protein function. Given the available evidence, this variant is classified as Pathogenic.

Labcorp Genetics (formerly Invitae), Labcorp
Classification: Pathogenic for Niemann-Pick disease, type B; Niemann-Pick disease, type A. Last evaluated: 2025-05-22. Review status: criteria provided, single submitter. Criteria: Invitae Variant Classification Sherloc (09022015). Collection method: clinical testing. Allele origin: germline.
Comment: This sequence change replaces glutamine, which is neutral and polar, with lysine, which is basic and polar, at codon 294 of the SMPD1 protein (p.Gln294Lys). This variant is present in population databases (rs120074128, gnomAD 0.003%). This missense change has been observed in individuals with Niemann-Pick disease i (PMID: 9266408, 15241805, 15877209, 17011332). It has also been observed to segregate with disease in related individuals. This variant is also known as p.Gln292Lys. ClinVar contains an entry for this variant (Variation ID: 2994). Invitae Evidence Modeling of protein sequence and biophysical properties (such as structural, functional, and spatial information, amino acid conservation, physicochemical variation, residue mobility, and thermodynamic stability) has been performed for this missense variant. However, the output from this modeling did not meet the statistical confidence thresholds required to predict the impact of this variant on SMPD1 protein function. Experimental studies have shown that this missense change affects SMPD1 function (PMID: 15877209). For these reasons, this variant has been classified as Pathogenic.

Blueprint Genetics
Classification: Pathogenic for SMPD1-related disorders. Last evaluated: 2024-07-02. Review status: criteria provided, single submitter. Criteria: ACMG Guidelines, 2015. Collection method: clinical testing. Allele origin: germline. Affected: yes. Observed: 5 variant alleles.

Fulgent Genetics
Classification: Pathogenic for Niemann-Pick disease, type A; Niemann-Pick disease, type B. Last evaluated: 2024-06-03. Review status: criteria provided, single submitter. Criteria: ACMG Guidelines, 2015. Collection method: clinical testing. Allele origin: germline.

Baylor Genetics
Classification: Pathogenic for Niemann-Pick disease, type A. Last evaluated: 2024-02-27. Review status: criteria provided, single submitter. Criteria: ACMG Guidelines, 2015. Collection method: clinical testing. Allele origin: unknown.

CeGaT Center for Human Genetics Tuebingen
Classification: Pathogenic. Last evaluated: 2023-09-01. Review status: criteria provided, single submitter. Criteria: CeGaT Center For Human Genetics Tuebingen Variant Classification Criteria Version 2. Collection method: clinical testing. Allele origin: germline. Affected: yes. Observed: 1 variant allele.
Comment: SMPD1: PM3:Very Strong, PM2, PM5, PP4:Moderate, PS3:Supporting

Ambry Genetics
Classification: Pathogenic for Inborn genetic diseases. Last evaluated: 2021-08-20. Review status: criteria provided, single submitter. Criteria: Ambry Variant Classification Scheme 2023. Collection method: clinical testing. Allele origin: germline.
Comment: The c.880C>A (p.Q294K) alteration is located in exon 2 (coding exon 2) of the SMPD1 gene. This alteration results from a C to A substitution at nucleotide position 880, causing the glutamine (Q) at amino acid position 294 to be replaced by a lysine (K). Based on data from gnomAD, the A allele has an overall frequency of <0.01% (2/251426) total alleles studied. The highest observed frequency was <0.01% (2/113716) of European (non-Finnish) alleles. This alteration has been reported in the homozygous and compound heterozygous state with a second SMPD1 alteration in multiple individuals with SMPD1-related Niemann-Pick disease (Harzer, 2003; Pavl, 1997; Pavl-Pereira, 2005; Pittis, 2004; Reunert, 2016; Wang, 2017; Wasserstein, 2006). This alteration is predicted to be deleterious by in silico analysis. Based on the available evidence, this alteration is classified as pathogenic.

Broad Center for Mendelian Genomics, Broad Institute of MIT and Harvard
Classification: Pathogenic for Sphingomyelin/cholesterol lipidosis. Last evaluated: 2020-01-22. Review status: criteria provided, single submitter. Criteria: ACMG Guidelines, 2015. Collection method: curation. Allele origin: germline. Inheritance: Autosomal recessive inheritance.
Comment: The p.Gln294Lys variant in SMPD1 (also known as p.Gln292Lys due to a difference in cDNA numbering) has been reported in at least 24 individuals with Niemann-Pick disease, segregated with disease in 6 affected relatives from 3 families (PMID: 15241805, 17011332, 15877209, 14681755), and has been identified in 0.002% (2/113716) of European (non-Finnish) chromosomes by the Genome Aggregation Database (gnomAD; dbSNP rs120074128). Although this variant has been seen in the general population, its frequency is low enough to be consistent with a recessive carrier frequency. This variant has also been reported in ClinVar (VariationID: 2994) as Pathogenic by Counsyl, Integrated Genetics, and OMIM. In vitro functional studies provide some evidence that the p.Gln294Lys variant may impact protein function (PMID: 15877209). However, these types of assays may not accurately represent biological function. Computational prediction tools and conservation analyses suggest that this variant may impact the protein, though this information is not predictive enough to determine pathogenicity. The presence of this variant in 6 affected homozygotes and in combination with reported pathogenic variants in at least 13 individuals with Niemann-Pick disease increases the likelihood that the p.Gln294Lys variant is pathogenic (VariationID: 167710, 2990, 2982, 371341, 2991, 189096, 371576; PMID: 15877209, 17011332, 14681755). The phenotype of numerous individuals homozygous and compound heterozygous for this variant is highly specific for Niemann-Pick disease based on acid sphingomyelinase activity being <10% of normal, consistent with disease (PMID: 15877209, 14681755). In summary, this variant meets criteria to be classified as pathogenic for Niemann-Pick disease in an autosomal recessive manner based on its presence in affected homozygotes and compound heterozygotes, in vitro functional studies, cosegregation with disease, and the phenotype of individuals with the variant being highly specific for disease. ACMG/AMP Criteria applied: PM3_very-strong, PS3, PM2, PP1_moderate, PP3, PP4 (Richards 2015).

Women's Health and Genetics/Laboratory Corporation of America, LabCorp
Classification: Pathogenic. Last evaluated: 2017-11-22. Review status: criteria provided, single submitter. Criteria: LabCorp Variant Classification Summary - May 2015. Collection method: clinical testing. Allele origin: germline.
Comment: Variant summary: The SMPD1 c.880C>A (p.Gln294Lys) variant involves the alteration of a conserved nucleotide. 3/4 in silico tools predict a damaging outcome for this variant (SNPsandGO not captured due to low reliability index). This variant was found in 3/246300 control chromosomes at a frequency of 0.0000122, which does not exceed the estimated maximal expected allele frequency of a pathogenic SMPD1 variant (0.0022361). This variant has been reported in numerous acid sphingomyelinase deficiency patients with neurologic abnormalities, both as a homozygous and compound heterozygous allele (McGovern_2004, Pittis_2004, Wasserstein_2006, and Pavlu-Pereira_2005). Transient expression of the variant in ASM-deficient human skin fibroblasts in the homozygous state showed ASM activity <5% of WT (Pavlu-Pereira_2005). Taken together, this variant is classified as pathogenic.

Counsyl
Classification: Pathogenic for Niemann-Pick disease, type A. Last evaluated: 2014-08-20. Review status: no assertion criteria provided. Collection method: literature only. Allele origin: unknown. Inheritance: Autosomal recessive inheritance. Not counted in ClinVar's aggregate classification.

OMIM
Classification: Pathogenic for NIEMANN-PICK DISEASE, TYPE B. Last evaluated: 2005-01-01. Review status: no assertion criteria provided. Collection method: literature only. Allele origin: germline. Not counted in ClinVar's aggregate classification.

OMIM
Classification: Pathogenic for NIEMANN-PICK DISEASE, INTERMEDIATE, PROTRACTED NEUROVISCERAL. Last evaluated: 2005-01-01. Review status: no assertion criteria provided. Collection method: literature only. Allele origin: germline. Not counted in ClinVar's aggregate classification.

Literature cited by the submitters: PubMed 14681755 (cited by 4 submitters); PubMed 15241805 (cited by 6 submitters); PubMed 15877209 (cited by 7 submitters); PubMed 17011332 (cited by 6 submitters); PubMed 36046391 (cited by Otogenetics); PubMed 37347058 (cited by Natera, Inc.); PubMed 9266408 (cited by 5 submitters); PubMed 23420949 (cited by Ambry Genetics); PubMed 26981555 (cited by Ambry Genetics); PubMed 28703315 (cited by Ambry Genetics); PubMed 15234149 (cited by Women's Health and Genetics/Laboratory Corporation of America, LabCorp); PubMed 23430949 (cited by Counsyl); PubMed 23412609 (cited by Counsyl).

NM_000543.5(SMPD1):c.880C>A (p.Gln294Lys)

Gene: SMPD1 (sphingomyelin phosphodiesterase 1; plus strand). Cytogenetic location: 11p15.4.
Variant type: single nucleotide variant.
Coding change: c.880C>A on transcript NM_000543.5 (MANE Select); coding-DNA position 880, C replaced by A.
Protein change: p.Gln294Lys; replaces glutamine 294 with lysine.
Molecular consequence: missense variant. On other transcripts: 5 prime UTR variant (1), non-coding transcript variant (1).
Genome position (GRCh38, 1-based): chr11:6,391,945, C>A. VCF-style: chr11-6391945-C-A. GRCh37 (hg19) VCF-style: chr11-6413175-C-A.
Other names: Q292K; c.877C>A, p.Gln293Lys (NM_001007593.3); c.880C>A, p.Gln294Lys (NM_001318087.2, NM_001365135.2); c.-82C>A (NM_001318088.2); short protein forms Q294K, Q293K.
Identifiers: ClinVar variation 2994 (VCV000002994.53), dbSNP rs120074128, ClinGen allele CA115901.